The following is an entry in ClinVar:

NM_001606.5(ABCA2):c.5408T>C (p.Met1803Thr)

Gene: ABCA2 (ATP binding cassette subfamily A member 2; minus strand). Cytogenetic location: 9q34.3.
Variant type: single nucleotide variant.
Coding change: c.5408T>C on transcript NM_001606.5 (MANE Select); coding-DNA position 5408, T replaced by C.
Protein change: p.Met1803Thr; replaces methionine 1803 with threonine.
Molecular consequence: missense variant.
Genome position (GRCh38, 1-based): chr9:137,011,971, A>G on the plus strand (T>C on the coding strand, the complement: ABCA2 is on the minus strand). VCF-style: chr9-137011971-A-G. GRCh37 (hg19) VCF-style: chr9-139906423-A-G.
Other names: c.5405T>C, p.Met1802Thr (NM_001411042.1); c.5498T>C, p.Met1833Thr (NM_212533.3); short protein forms M1802T, M1803T, M1833T.
Identifiers: ClinVar variation 3025291 (VCV003025291.23), dbSNP rs764189607, ClinGen allele CA5354009.

ClinVar aggregate classification (germline): Uncertain significance. Review status: criteria provided, multiple submitters, no conflicts (2 of 4 stars). 2 submissions from 2 submitters: Uncertain significance (2). Last evaluated 2024-10-08.

Allele frequency attached by ClinVar (database versions not stated): TOPMed 0.00002; gnomAD exomes 0.00003; ExAC 0.00004; gnomAD 0.00004.

Submissions (2):

Blueprint Genetics
Classification: Uncertain significance. Last evaluated: 2024-10-08. Review status: criteria provided, single submitter. Criteria: ACMG Guidelines, 2015. Collection method: clinical testing. Allele origin: germline.

CeGaT Center for Human Genetics Tuebingen
Classification: Uncertain significance. Last evaluated: 2024-02-01. Review status: criteria provided, single submitter. Criteria: CeGaT Center For Human Genetics Tuebingen Variant Classification Criteria Version 2. Collection method: clinical testing. Allele origin: germline. Affected: yes. Observed: 1 variant allele.
Comment: ABCA2: PM2, PP3